The following is an entry in ClinVar:

NM_014956.5(CEP164):c.3254G>A (p.Ser1085Asn)

Gene: CEP164 (centrosomal protein 164; plus strand). Cytogenetic location: 11q23.3.
Variant type: single nucleotide variant.
Coding change: c.3254G>A on transcript NM_014956.5 (MANE Select); coding-DNA position 3254, G replaced by A.
Protein change: p.Ser1085Asn; replaces serine 1085 with asparagine.
Molecular consequence: missense variant.
Genome position (GRCh38, 1-based): chr11:117,396,587, G>A. VCF-style: chr11-117396587-G-A. GRCh37 (hg19) VCF-style: chr11-117267303-G-A.
Other names: c.3263G>A, p.Ser1088Asn (NM_001271933.2); c.3254G>A (NM_014956.4); short protein forms S1085N, S1088N.
Identifiers: ClinVar variation 1043041 (VCV001043041.13), dbSNP rs562234273, ClinGen allele CA6295386.

ClinVar aggregate classification (germline): Conflicting classifications of pathogenicity. Review status: criteria provided, conflicting classifications (1 of 4 stars). 6 submissions from 6 submitters: Uncertain significance (5); Likely benign (1). Last evaluated 2026-05-16.

Conditions:
CEP164-related disorder. Also called: CEP164-related condition.
Inborn genetic diseases. Identifiers: MedGen C0950123, MeSH D030342.
Nephronophthisis 15 (NPHP15). Identifiers: Orphanet 3156, MedGen C3541853, MONDO:0013917, OMIM 614845.

Allele frequency attached by ClinVar (database versions not stated): gnomAD 0.00001; TOPMed 0.00006; ExAC 0.00013; gnomAD exomes 0.00013.
gnomAD v4.1: 37 of 1,613,820 alleles (0.0023%); highest among the groups gnomAD compares: Admixed American, 0.06%; no homozygotes.

Submissions (6):

GeneDx
Classification: Uncertain significance. Last evaluated: 2026-05-16. Review status: criteria provided, single submitter. Criteria: GeneDx Variant Classification Process June 2021. Collection method: clinical testing. Allele origin: germline.
Comment: In silico analysis suggests that this missense variant does not alter protein structure/function; Has not been previously published as pathogenic or benign to our knowledge

PreventionGenetics, part of Exact Sciences
Classification: Uncertain significance for CEP164-related condition. Last evaluated: 2026-03-25. Review status: criteria provided, single submitter. Criteria: ACMG Guidelines, 2015. Collection method: clinical testing. Allele origin: germline.
Comment: The CEP164 c.3254G>A variant is predicted to result in the amino acid substitution p.Ser1085Asn. To our knowledge, this variant has not been reported in the literature. This variant is reported in 0.093% of alleles in individuals of Latino descent in gnomAD, which is likely too common for an undocumented disease-causing variant. Although we suspect that this variant may be benign, at this time, the clinical significance of this variant is uncertain due to the absence of conclusive functional and genetic evidence.

Fulgent Genetics
Classification: Uncertain significance for Nephronophthisis 15. Last evaluated: 2024-05-31. Review status: criteria provided, single submitter. Criteria: ACMG Guidelines, 2015. Collection method: clinical testing. Allele origin: germline.

Ambry Genetics
Classification: Uncertain significance for Inborn genetic diseases. Last evaluated: 2024-01-08. Review status: criteria provided, single submitter. Criteria: Ambry Variant Classification Scheme 2023. Collection method: clinical testing. Allele origin: germline.

Labcorp Genetics (formerly Invitae), Labcorp
Classification: Uncertain significance for Nephronophthisis 15. Last evaluated: 2023-12-07. Review status: criteria provided, single submitter. Criteria: Invitae Variant Classification Sherloc (09022015). Collection method: clinical testing. Allele origin: germline.
Comment: This sequence change replaces serine, which is neutral and polar, with asparagine, which is neutral and polar, at codon 1085 of the CEP164 protein (p.Ser1085Asn). This variant is present in population databases (rs562234273, gnomAD 0.08%). This variant has not been reported in the literature in individuals affected with CEP164-related conditions. ClinVar contains an entry for this variant (Variation ID: 1043041). Advanced modeling of protein sequence and biophysical properties (such as structural, functional, and spatial information, amino acid conservation, physicochemical variation, residue mobility, and thermodynamic stability) performed at Invitae indicates that this missense variant is not expected to disrupt CEP164 protein function with a negative predictive value of 80%. In summary, the available evidence is currently insufficient to determine the role of this variant in disease. Therefore, it has been classified as a Variant of Uncertain Significance.

Blueprint Genetics
Classification: Likely benign. Last evaluated: 2021-12-08. Review status: criteria provided, single submitter. Criteria: ACMG Guidelines, 2015. Collection method: clinical testing. Allele origin: germline.